The following is an entry in ClinVar:

ClinVar aggregate classification (germline): Uncertain significance (1 of 4 stars; one submission).

Conditions:
Mendelian susceptibility to mycobacterial diseases due to partial STAT1 deficiency. Also called: IMMUNODEFICIENCY 31A, MYCOBACTERIOSIS, AUTOSOMAL DOMINANT; STAT1 DEFICIENCY, AUTOSOMAL DOMINANT; Immunodeficiency 31a. Identifiers: Orphanet 319595, MedGen C4013950, MONDO:0013956, OMIM 614892.
Immunodeficiency 31B. Also called: IMMUNODEFICIENCY 31B, MYCOBACTERIAL AND VIRAL INFECTIONS, AUTOSOMAL RECESSIVE; STAT1 DEFICIENCY, AUTOSOMAL RECESSIVE. Identifiers: Orphanet 391311, MedGen C3151088, MONDO:0013427, OMIM 613796.
Autoimmune enteropathy and endocrinopathy - susceptibility to chronic infections syndrome. Also called: Immunodeficiency 31C, autosomal dominant; Immunodeficiency 31C. Identifiers: Orphanet 391487, MedGen C3279990, MONDO:0013599, OMIM 614162.

Submission:

Labcorp Genetics (formerly Invitae), Labcorp
Classification: Uncertain significance for Mendelian susceptibility to mycobacterial diseases due to partial STAT1 deficiency; Immunodeficiency 31B; Autoimmune enteropathy and endocrinopathy - susceptibility to chronic infections syndrome. Last evaluated: 2022-11-15. Review status: criteria provided, single submitter. Criteria: Invitae Variant Classification Sherloc (09022015). Collection method: clinical testing. Allele origin: germline.
Comment: This sequence change falls in intron 14 of the STAT1 gene. It does not directly change the encoded amino acid sequence of the STAT1 protein. It affects a nucleotide within the consensus splice site. This variant is not present in population databases (gnomAD no frequency). This variant has not been reported in the literature in individuals affected with STAT1-related conditions. ClinVar contains an entry for this variant (Variation ID: 1023104). Variants that disrupt the consensus splice site are a relatively common cause of aberrant splicing (PMID: 17576681, 9536098). Algorithms developed to predict the effect of sequence changes on RNA splicing suggest that this variant is not likely to affect RNA splicing. In summary, the available evidence is currently insufficient to determine the role of this variant in disease. Therefore, it has been classified as a Variant of Uncertain Significance.

Literature cited by the submitters: PubMed 17576681; PubMed 9536098.

NM_007315.4(STAT1):c.1221+6G>T

Gene: STAT1 (signal transducer and activator of transcription 1; minus strand). Cytogenetic location: 2q32.2.
Variant type: single nucleotide variant.
Coding change: c.1221+6G>T on transcript NM_007315.4 (MANE Select); 6 bases into the intron after coding-DNA position 1221, G replaced by T.
Molecular consequence: intron variant.
Genome position (GRCh38, 1-based): chr2:190,986,848, C>A on the plus strand (G>T on the coding strand, the complement: STAT1 is on the minus strand). VCF-style: chr2-190986848-C-A. GRCh37 (hg19) VCF-style: chr2-191851574-C-A.
Other names: c.1131+6G>T (NM_001384890.1); c.1122+6G>T (NM_001384883.1); c.1062+6G>T (NM_001384885.1); c.1128+6G>T (NM_001384887.1); c.1161+6G>T (NM_001384880.1); c.1191+6G>T (NM_001384888.1); c.1215+6G>T (NM_001384882.1); c.1221+6G>T (NM_001384889.1, NM_001384886.1, NM_139266.3); and 2 more.
Identifiers: ClinVar variation 1023104 (VCV001023104.9), dbSNP rs1692870587, ClinGen allele CA1316278776.